The following is an entry in ClinVar:

ClinVar aggregate classification (germline): Uncertain significance (1 of 4 stars; one submission).

Conditions:
Noonan syndrome 9 (NS9). Identifiers: Orphanet 648, MedGen C4225282, MONDO:0014691, OMIM 616559.

Submission:

Labcorp Genetics (formerly Invitae), Labcorp
Classification: Uncertain significance for Noonan syndrome 9. Last evaluated: 2024-09-30. Review status: criteria provided, single submitter. Criteria: Invitae Variant Classification Sherloc (09022015). Collection method: clinical testing. Allele origin: germline.
Comment: This sequence change replaces proline, which is neutral and non-polar, with threonine, which is neutral and polar, at codon 1268 of the SOS2 protein (p.Pro1268Thr). This variant is not present in population databases (gnomAD no frequency). This variant has not been reported in the literature in individuals affected with SOS2-related conditions. Invitae Evidence Modeling of protein sequence and biophysical properties (such as structural, functional, and spatial information, amino acid conservation, physicochemical variation, residue mobility, and thermodynamic stability) indicates that this missense variant is not expected to disrupt SOS2 protein function with a negative predictive value of 95%. In summary, the available evidence is currently insufficient to determine the role of this variant in disease. Therefore, it has been classified as a Variant of Uncertain Significance.

NM_006939.4(SOS2):c.3802C>A (p.Pro1268Thr)

Gene: SOS2 (SOS Ras/Rho guanine nucleotide exchange factor 2; minus strand). Cytogenetic location: 14q21.3.
Variant type: single nucleotide variant.
Coding change: c.3802C>A on transcript NM_006939.4 (MANE Select); coding-DNA position 3802, C replaced by A.
Protein change: p.Pro1268Thr; replaces proline 1268 with threonine.
Molecular consequence: missense variant.
Genome position (GRCh38, 1-based): chr14:50,118,541, G>T on the plus strand (C>A on the coding strand, the complement: SOS2 is on the minus strand). VCF-style: chr14-50118541-G-T. GRCh37 (hg19) VCF-style: chr14-50585259-G-T.
Other names: c.3703C>A, p.Pro1235Thr (NM_001411020.1); short protein forms P1235T, P1268T.
Identifiers: ClinVar variation 3613610 (VCV003613610.2).